The following is an entry in ClinVar:

ClinVar aggregate classification (germline): Conflicting classifications of pathogenicity. Review status: criteria provided, conflicting classifications (1 of 4 stars). 8 submissions from 8 submitters: Uncertain significance (3); Likely benign (4). 1 of the submissions does not count toward it. Last evaluated 2026-02-04.

Conditions:
Inborn genetic diseases. Identifiers: MedGen C0950123, MeSH D030342.
MBD4-related disorder. Also called: MBD4-related condition.

Allele frequency attached by ClinVar (database versions not stated): 1000 Genomes Project 0.00020; 1000 Genomes Project 30x 0.00031; TOPMed 0.00124; gnomAD 0.00155 and 0.00164; ESP Exome Variant Server 0.00169; gnomAD exomes 0.00169; ExAC 0.00198.
gnomAD v4.1: 3,262 of 1,614,054 alleles (0.2%); highest among the groups gnomAD compares: Non-Finnish European, 0.24%; 8 homozygotes.

Submissions (10):

Labcorp Genetics (formerly Invitae), Labcorp
Classification: Likely benign. Last evaluated: 2026-02-04. Review status: criteria provided, single submitter. Criteria: Invitae Variant Classification Sherloc (09022015). Collection method: clinical testing. Allele origin: germline.

CeGaT Center for Human Genetics Tuebingen
Classification: Likely benign. Last evaluated: 2025-11-01. Review status: criteria provided, single submitter. Criteria: CeGaT Center For Human Genetics Tuebingen Variant Classification Criteria Version 2. Collection method: clinical testing. Allele origin: germline. Affected: yes. Observed: 8 variant alleles.
Comment: MBD4: BS1:Supporting, BS3:Supporting, BS2

ARUP Laboratories, Molecular Genetics and Genomics, ARUP Laboratories
Classification: Likely benign. Last evaluated: 2025-07-03. Review status: criteria provided, single submitter. Criteria: ARUP Molecular Germline Variant Investigation Process 2024. Collection method: clinical testing. Allele origin: germline.

GeneDx
Classification: Uncertain significance. Last evaluated: 2025-03-25. Review status: criteria provided, single submitter. Criteria: GeneDx Variant Classification Process June 2021. Collection method: clinical testing. Allele origin: germline. Affected: yes.
Comment: Identified in the heterozygous state in patients with uveal melanoma in published literature, but familial segregation information and additional clinical information were not included (PMID: 32239153, 32421892); Identified in the heterozygous state in two unrelated individuals with autism, but it is unknown whether these individuals were screened for variants in other genes associated with autism (PMID: 19921286); Published functional studies are inconclusive, and additional studies are needed to validate the functional effect of this variant in vivo (PMID: 32239153); In silico analysis supports that this missense variant has a deleterious effect on protein structure/function; This variant is associated with the following publications: (PMID: 25525159, 32421892, 19921286, 32239153)

Ambry Genetics
Classification: Likely benign for Inborn genetic diseases. Last evaluated: 2024-10-29. Review status: criteria provided, single submitter. Criteria: Ambry Variant Classification Scheme 2023. Collection method: clinical testing. Allele origin: germline.

Genetic Services Laboratory, University of Chicago
Classification: Uncertain significance. Last evaluated: 2021-07-09. Review status: criteria provided, single submitter. Criteria: ACMG Guidelines, 2015. Collection method: clinical testing. Allele origin: germline. Affected: no.
Comment: This sequence change does not appear to have been previously described in patients with MBD4-related cancers. This sequence change has been described in the gnomAD database with a high population frequency of 0.27% in the non-Finnish European subpopulation (dbSNP rs78782061). The p.Asn467Ser change affects a highly conserved amino acid residue located in a domain of the MBD4 protein that is known to be functional. The p.Asn467Ser substitution appears to be deleterious using several in-silico pathogenicity prediction tools (SIFT, PolyPhen2, Align GVGD, REVEL). Due to these contrasting evidences and the lack of functional studies, the clinical significance of the p.Asn467Ser change remains unknown at this time.

Breakthrough Genomics
Classification: Uncertain significance. Review status: criteria provided, single submitter. Criteria: ACMG Guidelines, 2015. Collection method: not provided. Allele origin: germline. Inheritance: Autosomal recessive inheritance. Affected: yes.

PreventionGenetics, part of Exact Sciences
Classification: Likely benign for MBD4-related condition. Last evaluated: 2019-05-02. Review status: no assertion criteria provided. Collection method: clinical testing. Allele origin: germline. Not counted in ClinVar's aggregate classification.
Comment: This variant is classified as likely benign based on ACMG/AMP sequence variant interpretation guidelines (Richards et al. 2015 PMID: 25741868, with internal and published modifications).

Dr. Peter K. Rogan Lab, Western University
No classification provided (evidence only). Condition: Nonpapillary renal cell carcinoma. Review status: no classification provided. Collection method: in vitro. Allele origin: not applicable. Functional consequence: retained intron. Not counted in ClinVar's aggregate classification.

Dr. Peter K. Rogan Lab, Western University
No classification provided (evidence only). Condition: Familial pancreatic carcinoma. Review status: no classification provided. Collection method: in vitro. Allele origin: not applicable. Functional consequence: retained intron. Not counted in ClinVar's aggregate classification.

NM_001276270.2(MBD4):c.1382A>G (p.Asn461Ser)

Gene: MBD4 (methyl-CpG binding domain 4, DNA glycosylase; minus strand). Cytogenetic location: 3q21.3.
Variant type: single nucleotide variant.
Coding change: c.1382A>G on transcript NM_001276270.2 (MANE Select); coding-DNA position 1382, A replaced by G.
Protein change: p.Asn461Ser; replaces asparagine 461 with serine.
Molecular consequence: missense variant.
Genome position (GRCh38, 1-based): chr3:129,433,861, T>C on the plus strand (A>G on the coding strand, the complement: MBD4 is on the minus strand). VCF-style: chr3-129433861-T-C. GRCh37 (hg19) VCF-style: chr3-129152704-T-C.
Other names: c.1400A>G, p.Asn467Ser (NM_001276271.2, NM_001276272.2, NM_003925.3); c.446A>G, p.Asn149Ser (NM_001276273.2); short protein forms N149S, N461S, N467S.
Identifiers: ClinVar variation 1336001 (VCV001336001.37), dbSNP rs78782061, ClinGen allele CA2605314.
Genomic context (GRCh38, chr3:129,433,861, plus strand): 5'-CCCTACCACACTGTCTCTACTAAGACAAAGATGATAATAATCCCCAAACCTGAGGTCCGA[T>C]TGAGAAATATAGTAGCGATGAGAAGCTTCCATGGATCATGAAAAAGTGTTTCTTGAACGA-3'
Protein context (NP_001263199.1, residues 451-471): WKLLIATIFL[Asn461Ser]RTSGKMAIPV